The following is an entry in ClinVar:

NM_031157.4(HNRNPA1):c.1058A>G (p.Asn353Ser)

Gene: HNRNPA1 (heterogeneous nuclear ribonucleoprotein A1; plus strand). Cytogenetic location: 12q13.13.
Variant type: single nucleotide variant.
Coding change: c.1058A>G on transcript NM_031157.4 (MANE Select); coding-DNA position 1058, A replaced by G.
Protein change: p.Asn353Ser; replaces asparagine 353 with serine.
Molecular consequence: missense variant. On other transcripts: non-coding transcript variant (1).
Genome position (GRCh38, 1-based): chr12:54,283,962, A>G. VCF-style: chr12-54283962-A-G. GRCh37 (hg19) VCF-style: chr12-54677746-A-G.
Other names: c.902A>G, p.Asn301Ser (NM_002136.4); short protein forms N353S, N301S.
Identifiers: ClinVar variation 135608 (VCV000135608.2), dbSNP rs483353038, ClinGen allele CA163083.

ClinVar aggregate classification (germline): Likely pathogenic (0 of 4 stars; one submission).

Conditions:
Chronic progressive multiple sclerosis. Identifiers: MedGen C0393665, MONDO:0005284.

Submission:

Demyelinating Disease Laboratories, VA Medical Center and University of Tennessee
Classification: Likely pathogenic. Review status: no assertion criteria provided. Collection method: not provided. Allele origin: somatic.
ClinVar note: Converted during submission from probable-pathogenic to Likely pathogenic.